The following is an entry in ClinVar:

NM_144997.7(FLCN):c.396+6C>A

Gene: FLCN (folliculin; minus strand). Cytogenetic location: 17p11.2.
Variant type: single nucleotide variant.
Coding change: c.396+6C>A on transcript NM_144997.7 (MANE Select); 6 bases into the intron after coding-DNA position 396, C replaced by A.
Molecular consequence: intron variant.
Genome position (GRCh38, 1-based): chr17:17,226,170, G>T on the plus strand (C>A on the coding strand, the complement: FLCN is on the minus strand). VCF-style: chr17-17226170-G-T. GRCh37 (hg19) VCF-style: chr17-17129484-G-T.
Other names: c.396+6C>A (NM_001353231.2, NM_001353230.2, NM_001353229.2 and 1 more transcripts).
Identifiers: ClinVar variation 4694599 (VCV004694599.1).

ClinVar aggregate classification (germline): Uncertain significance (1 of 4 stars; one submission).

Conditions:
Birt-Hogg-Dube syndrome. Also called: Birt Hogg Dubé syndrome. Identifiers: Orphanet 122, MedGen C0346010, MONDO:0800444.

gnomAD v4.1: 3 of 1,613,936 alleles (0.00019%); highest among the groups gnomAD compares: Middle Eastern, 0.033%; no homozygotes.

Submission:

Labcorp Genetics (formerly Invitae), Labcorp
Classification: Uncertain significance for Birt-Hogg-Dube syndrome. Last evaluated: 2025-07-31. Review status: criteria provided, single submitter. Criteria: Invitae Variant Classification Sherloc (09022015). Collection method: clinical testing. Allele origin: germline.
Comment: This sequence change falls in intron 5 of the FLCN gene. It does not directly change the encoded amino acid sequence of the FLCN protein. It affects a nucleotide within the consensus splice site. This variant is present in population databases (rs747922795, gnomAD 0.002%). This variant has not been reported in the literature in individuals affected with FLCN-related conditions. Variants that disrupt the consensus splice site are a relatively common cause of aberrant splicing (PMID: 17576681, 9536098). Algorithms developed to predict the effect of sequence changes on RNA splicing suggest that this variant is not likely to affect RNA splicing. In summary, the available evidence is currently insufficient to determine the role of this variant in disease. Therefore, it has been classified as a Variant of Uncertain Significance.

Literature cited by the submitters: PubMed 17576681; PubMed 9536098.